The following is an entry in ClinVar:

NM_001191061.2(SLC25A22):c.154T>G (p.Cys52Gly)

Gene: SLC25A22 (solute carrier family 25 member 22; minus strand). Cytogenetic location: 11p15.5.
Variant type: single nucleotide variant.
Coding change: c.154T>G on transcript NM_001191061.2 (MANE Select); coding-DNA position 154, T replaced by G.
Protein change: p.Cys52Gly; replaces cysteine 52 with glycine.
Molecular consequence: missense variant.
Genome position (GRCh38, 1-based): chr11:794,506, A>C on the plus strand (T>G on the coding strand, the complement: SLC25A22 is on the minus strand). VCF-style: chr11-794506-A-C. GRCh37 (hg19) VCF-style: chr11-794506-A-C.
Other names: c.154T>G, p.Cys52Gly (NM_001191060.2, NM_024698.6); short protein forms C52G.
Identifiers: ClinVar variation 1477220 (VCV001477220.9), dbSNP rs2133711227, ClinGen allele CA378921379.

ClinVar aggregate classification (germline): Uncertain significance (1 of 4 stars; one submission).

Conditions:
Early-infantile DEE. Also called: Early infantile epileptic encephalopathy with suppression bursts; Early infantile epileptic encephalopathy; Ohtahara syndrome. Identifiers: Orphanet 1934, MedGen C0393706, MONDO:0800491.

Submission:

Labcorp Genetics (formerly Invitae), Labcorp
Classification: Uncertain significance for Early-infantile DEE. Last evaluated: 2021-06-29. Review status: criteria provided, single submitter. Criteria: Invitae Variant Classification Sherloc (09022015). Collection method: clinical testing. Allele origin: germline.
Comment: This sequence change replaces cysteine with glycine at codon 52 of the SLC25A22 protein (p.Cys52Gly). The cysteine residue is highly conserved and there is a large physicochemical difference between cysteine and glycine. This variant is not present in population databases (ExAC no frequency). This variant has not been reported in the literature in individuals affected with SLC25A22-related conditions. Algorithms developed to predict the effect of missense changes on protein structure and function are either unavailable or do not agree on the potential impact of this missense change (SIFT: "Deleterious"; PolyPhen-2: "Benign"; Align-GVGD: "Class C65"). In summary, the available evidence is currently insufficient to determine the role of this variant in disease. Therefore, it has been classified as a Variant of Uncertain Significance.